The following is an entry in ClinVar:

ClinVar aggregate classification (germline): Uncertain significance (1 of 4 stars; one submission).

Allele frequency attached by ClinVar (database versions not stated): gnomAD exomes below 0.00001.

Submission:

Labcorp Genetics (formerly Invitae), Labcorp
Classification: Uncertain significance. Last evaluated: 2024-02-20. Review status: criteria provided, single submitter. Criteria: Invitae Variant Classification Sherloc (09022015). Collection method: clinical testing. Allele origin: germline.
Comment: This sequence change replaces lysine, which is basic and polar, with arginine, which is basic and polar, at codon 572 of the CAPN5 protein (p.Lys572Arg). This variant is not present in population databases (gnomAD no frequency). This variant has not been reported in the literature in individuals affected with CAPN5-related conditions. ClinVar contains an entry for this variant (Variation ID: 1382352). An algorithm developed to predict the effect of missense changes on protein structure and function (PolyPhen-2) suggests that this variant is likely to be disruptive. In summary, the available evidence is currently insufficient to determine the role of this variant in disease. Therefore, it has been classified as a Variant of Uncertain Significance.

NM_004055.5(CAPN5):c.1715A>G (p.Lys572Arg)

Gene: CAPN5 (calpain 5; plus strand). Cytogenetic location: 11q13.5.
Variant type: single nucleotide variant.
Coding change: c.1715A>G on transcript NM_004055.5 (MANE Select); coding-DNA position 1715, A replaced by G.
Protein change: p.Lys572Arg; replaces lysine 572 with arginine.
Molecular consequence: missense variant.
Genome position (GRCh38, 1-based): chr11:77,122,687, A>G. VCF-style: chr11-77122687-A-G. GRCh37 (hg19) VCF-style: chr11-76833733-A-G.
Other names: short protein forms K572R.
Identifiers: ClinVar variation 1382352 (VCV001382352.8), dbSNP rs2135490831, ClinGen allele CA381944709.